The following is an entry in ClinVar:

NM_001005361.3(DNM2):c.2462A>G (p.Asn821Ser)

Gene: DNM2 (dynamin 2; plus strand). Cytogenetic location: 19p13.2.
Variant type: single nucleotide variant.
Coding change: c.2462A>G on transcript NM_001005361.3 (MANE Select); coding-DNA position 2462, A replaced by G.
Protein change: p.Asn821Ser; replaces asparagine 821 with serine.
Molecular consequence: missense variant.
Genome position (GRCh38, 1-based): chr19:10,830,297, A>G. VCF-style: chr19-10830297-A-G. GRCh37 (hg19) VCF-style: chr19-10940973-A-G.
Other names: c.2462A>G, p.Asn821Ser (NM_001005360.3, NM_001190716.2); c.2450A>G, p.Asn817Ser (NM_001005362.3, NM_004945.4); short protein forms N817S, N821S.
Identifiers: ClinVar variation 2143909 (VCV002143909.7), dbSNP rs1056840783, ClinGen allele CA305272169.

ClinVar aggregate classification (germline): Uncertain significance. Review status: criteria provided, multiple submitters, no conflicts (2 of 4 stars). 2 submissions from 2 submitters: Uncertain significance (2). Last evaluated 2024-02-24.

Conditions:
Charcot-Marie-Tooth disease dominant intermediate B (CMTDIB). Also called: CHARCOT-MARIE-TOOTH NEUROPATHY, DOMINANT INTERMEDIATE B; Charcot-Marie-Tooth disease dominant intermediate 1; CMT DI1; Charcot-Marie-Tooth disease dominant intermediate I. Identifiers: Orphanet 100044, Orphanet 228179, MedGen C1847902, MONDO:0011674, OMIM 606482.

Allele frequency attached by ClinVar (database versions not stated): TOPMed 0.00001.
gnomAD v4.1: 3 of 1,613,684 alleles (0.00019%); highest among the groups gnomAD compares: Admixed American, 0.005%; no homozygotes.

Submissions (2):

Labcorp Genetics (formerly Invitae), Labcorp
Classification: Uncertain significance for Charcot-Marie-Tooth disease dominant intermediate B. Last evaluated: 2024-02-24. Review status: criteria provided, single submitter. Criteria: Invitae Variant Classification Sherloc (09022015). Collection method: clinical testing. Allele origin: germline.
Comment: This sequence change replaces asparagine, which is neutral and polar, with serine, which is neutral and polar, at codon 821 of the DNM2 protein (p.Asn821Ser). This variant is present in population databases (no rsID available, gnomAD 0.009%). This variant has not been reported in the literature in individuals affected with DNM2-related conditions. ClinVar contains an entry for this variant (Variation ID: 2143909). Advanced modeling of protein sequence and biophysical properties (such as structural, functional, and spatial information, amino acid conservation, physicochemical variation, residue mobility, and thermodynamic stability) has been performed at Invitae for this missense variant, however the output from this modeling did not meet the statistical confidence thresholds required to predict the impact of this variant on DNM2 protein function. In summary, the available evidence is currently insufficient to determine the role of this variant in disease. Therefore, it has been classified as a Variant of Uncertain Significance.

Revvity Omics, Revvity
Classification: Uncertain significance. Last evaluated: 2022-11-22. Review status: criteria provided, single submitter. Criteria: ACMG Guidelines, 2015. Collection method: clinical testing. Allele origin: germline.